The following is an entry in ClinVar:

NM_021871.4(FGA):c.181-1G>A

Gene: FGA (fibrinogen alpha chain; minus strand). Cytogenetic location: 4q31.3.
Variant type: single nucleotide variant.
Coding change: c.181-1G>A on transcript NM_021871.4 (MANE Select); the canonical splice acceptor site of the intron before coding-DNA position 181, G replaced by A.
Molecular consequence: splice acceptor variant.
Genome position (GRCh38, 1-based): chr4:154,588,977, C>T on the plus strand (G>A on the coding strand, the complement: FGA is on the minus strand). VCF-style: chr4-154588977-C-T. GRCh37 (hg19) VCF-style: chr4-155510129-C-T.
Other names: c.181-1G>A (NM_000508.5).
Identifiers: ClinVar variation 5010131 (VCV005010131.1).
Genomic context (GRCh38, chr4:154,588,977, plus strand): 5'-ATCTTGATTGACTTCATCAATCAACCCTTTCATCCTGCAGCCAGAAGGGCATTTGTAGTT[C>T]TGAAAGTGAAGGGAGAAAATTACAGTAAGGATCTATCTCTCAGATTCAGAATAATTTTGC-3'

ClinVar aggregate classification (germline): Pathogenic (1 of 4 stars; one submission).

Conditions:
Bleeding and platelet disorders.

gnomAD v4.1: 16 of 1,612,358 alleles (0.00099%); highest among the groups gnomAD compares: Non-Finnish European, 0.0014%; no homozygotes.

Submission:

North West Genomic Laboratory Hub, Manchester University NHS Foundation Trust
Classification: Pathogenic for Bleeding and platelet disorders. Last evaluated: 2026-09-18. Review status: criteria provided, single submitter. Criteria: ACGS Best Practice Guidelines for Variant Classification in Rare Disease 2024. Collection method: clinical testing. Allele origin: germline. Affected: yes.
Comment: PM3_Supp PM2_Mod PP4_Supp PVS1_VStr